The following is an entry in ClinVar:

NM_001199107.2(TBC1D24):c.885C>G (p.Phe295Leu)

Gene: TBC1D24 (TBC1 domain family member 24; plus strand). Cytogenetic location: 16p13.3.
Variant type: single nucleotide variant.
Coding change: c.885C>G on transcript NM_001199107.2 (MANE Select); coding-DNA position 885, C replaced by G.
Protein change: p.Phe295Leu; replaces phenylalanine 295 with leucine.
Molecular consequence: missense variant.
Genome position (GRCh38, 1-based): chr16:2,497,033, C>G. VCF-style: chr16-2497033-C-G. GRCh37 (hg19) VCF-style: chr16-2547034-C-G.
Other names: p.F295L:TTC>TTG; c.885C>G, p.Phe295Leu (NM_020705.3); short protein forms F295L.
Identifiers: ClinVar variation 139396 (VCV000139396.80), dbSNP rs72768728, ClinGen allele CA293866.
Genomic context (GRCh38, chr16:2,497,033, plus strand): 5'-CATCGCGAAGACGGTGTCCCCTGAGAAGCTGCTGGAGAAAGCGTTCGCCATCCGCCTCTT[C>G]TCCCGCAAGGAGATCCAGCTCCTGCAGATGGCCAATGAGAAAGCCCTGAAGCAGAAGGGC-3'
Protein context (NP_001186036.1, residues 285-305): LLEKAFAIRL[Phe295Leu]SRKEIQLLQM

ClinVar aggregate classification (germline): Benign/Likely benign. Review status: criteria provided, multiple submitters, no conflicts (2 of 4 stars). 17 submissions from 17 submitters: Benign (9); Likely benign (5). 3 of the submissions do not count toward it. Last evaluated 2026-09-01.

Conditions:
Autosomal dominant nonsyndromic hearing loss 65. Also called: Deafness, autosomal dominant 65; TBC1D24-Related Autosomal Dominant Nonsyndromic Hearing Loss (DFNA). Identifiers: Orphanet 90635, MedGen C3892048, MONDO:0014470, OMIM 616044.
Developmental and epileptic encephalopathy, 1 (DEE1). Also called: INFANTILE SPASM SYNDROME, X-LINKED 1; OHTAHARA SYNDROME, X-LINKED; X-linked infantile spasms; West's syndrome; Tonic spasms with clustering, arrest of psychomotor development and hypsarrhythmia on EEG; X-Linked Infantile Spasm Syndrome. Identifiers: MedGen C3463992, MONDO:0010632, OMIM 308350. Disease mechanism: loss of function.
Inborn genetic diseases. Identifiers: MedGen C0950123, MeSH D030342.
Familial infantile myoclonic epilepsy (FIME). Also called: TBC1D24-Related Familial Infantile Myoclonic Epilepsy (FIME); Epilepsy, Myoclonic, Infantile. Identifiers: Orphanet 352582, MedGen C0917800, MONDO:0011506, OMIM 605021.

Allele frequency attached by ClinVar (database versions not stated): 1000 Genomes Project 0.00220; 1000 Genomes Project 30x 0.00265; gnomAD exomes 0.00532 and 0.00979; TOPMed 0.00560; ExAC 0.00561; gnomAD 0.00580 and 0.00609; ESP Exome Variant Server 0.00829.
gnomAD v4.1: 14,966 of 1,613,604 alleles (0.93%); highest among the groups gnomAD compares: Non-Finnish European, 1.2%; 97 homozygotes.

Submissions (17):

CeGaT Center for Human Genetics Tuebingen
Classification: Benign. Last evaluated: 2026-09-01. Review status: criteria provided, single submitter. Criteria: CeGaT Center For Human Genetics Tuebingen Variant Classification Criteria Version 2. Collection method: clinical testing. Allele origin: germline. Affected: yes. Observed: 87 variant alleles.
Comment: TBC1D24: BS1, BS2

Labcorp Genetics (formerly Invitae), Labcorp
Classification: Benign for Developmental and epileptic encephalopathy, 1; Autosomal dominant nonsyndromic hearing loss 65. Last evaluated: 2026-02-02. Review status: criteria provided, single submitter. Criteria: Invitae Variant Classification Sherloc (09022015). Collection method: clinical testing. Allele origin: germline.

ARUP Laboratories, Molecular Genetics and Genomics, ARUP Laboratories
Classification: Benign. Last evaluated: 2025-04-16. Review status: criteria provided, single submitter. Criteria: ARUP Molecular Germline Variant Investigation Process 2024. Collection method: clinical testing. Allele origin: germline.

Blueprint Genetics
Classification: Likely benign. Last evaluated: 2024-11-27. Review status: criteria provided, single submitter. Criteria: ACMG Guidelines, 2015. Collection method: clinical testing. Allele origin: germline.

Athena Diagnostics
Classification: Benign. Last evaluated: 2019-06-26. Review status: criteria provided, single submitter. Criteria: Athena Diagnostics Criteria. Collection method: clinical testing. Allele origin: germline.

Illumina Laboratory Services, Illumina
Classification: Likely benign for Familial infantile myoclonic epilepsy. Last evaluated: 2018-01-12. Review status: criteria provided, single submitter. Criteria: ICSL Variant Classification Criteria 13 December 2019. Collection method: clinical testing. Allele origin: germline.
Comment: This variant was observed in the ICSL laboratory as part of a predisposition screen in an ostensibly healthy population. It had not been previously curated by ICSL or reported in the Human Gene Mutation Database (HGMD: prior to June 1st, 2018), and was therefore a candidate for classification through an automated scoring system. Utilizing variant allele frequency, disease prevalence and penetrance estimates, and inheritance mode, an automated score was calculated to assess if this variant is too frequent to cause the disease. Based on the score and internal cut-off values, a variant classified as likely benign is not then subjected to further curation. The score for this variant resulted in a classification of likely benign for this disease.

Center for Pediatric Genomic Medicine, Children's Mercy Hospital and Clinics
Classification: Likely benign. Last evaluated: 2017-09-18. Review status: criteria provided, single submitter. Criteria: ACMG Guidelines, 2015. Collection method: clinical testing. Allele origin: germline.

Ambry Genetics
Classification: Benign for Inborn genetic diseases. Last evaluated: 2017-07-12. Review status: criteria provided, single submitter. Criteria: Ambry Variant Classification Scheme 2023. Collection method: clinical testing. Allele origin: germline.

Eurofins Ntd Llc (ga)
Classification: Benign. Last evaluated: 2016-07-19. Review status: criteria provided, single submitter. Criteria: EGL Classification Definitions 2015. Collection method: clinical testing. Allele origin: germline. Observed: 2 variant alleles, 1 heterozygote, 1 homozygote.

Genetic Services Laboratory, University of Chicago
Classification: Likely benign. Last evaluated: 2015-12-18. Review status: criteria provided, single submitter. Criteria: ACMG Guidelines, 2015. Collection method: clinical testing. Allele origin: germline. Affected: no.

Laboratory for Molecular Medicine, Mass General Brigham Personalized Medicine
Classification: Benign. Last evaluated: 2014-11-24. Review status: criteria provided, single submitter. Criteria: LMM Criteria. Collection method: clinical testing. Allele origin: germline. Observed: 16 variant alleles.
Comment: Phe295Leu in exon 2 of TBC1D24: This variant is not expected to have clinical si gnificance because it has been identified in 1.1% (97/8510) of European American chromosomes from a broad population by the NHLBI Exome Sequencing Project (dbSNP rs72768728).

GeneDx
Classification: Benign. Last evaluated: 2014-05-17. Review status: criteria provided, single submitter. Criteria: GeneDx Variant Classification (06012015). Collection method: clinical testing. Allele origin: germline. Affected: yes.
Comment: This variant is considered likely benign or benign based on one or more of the following criteria: it is a conservative change, it occurs at a poorly conserved position in the protein, it is predicted to be benign by multiple in silico algorithms, and/or has population frequency not consistent with disease.

Breakthrough Genomics
Classification: Likely benign. Review status: criteria provided, single submitter. Criteria: ACMG Guidelines, 2015. Collection method: not provided. Allele origin: germline. Inheritance: Autosomal recessive inheritance. Affected: yes.

PreventionGenetics, part of Exact Sciences
Classification: Benign. Review status: criteria provided, single submitter. Criteria: ACMG Guidelines, 2015. Collection method: clinical testing. Allele origin: germline.

Clinical Genetics DNA and cytogenetics Diagnostics Lab, Erasmus MC, Erasmus Medical Center
Classification: Likely benign. Review status: no assertion criteria provided. Collection method: clinical testing. Allele origin: germline. Affected: yes. Study: VKGL Data-share Consensus. Not counted in ClinVar's aggregate classification.

Diagnostic Laboratory, Department of Genetics, University Medical Center Groningen
Classification: Likely benign. Review status: no assertion criteria provided. Collection method: clinical testing. Allele origin: germline. Affected: yes. Study: VKGL Data-share Consensus. Not counted in ClinVar's aggregate classification.

Genome Diagnostics Laboratory, University Medical Center Utrecht
Classification: Benign. Review status: no assertion criteria provided. Collection method: clinical testing. Allele origin: germline. Affected: yes. Study: VKGL Data-share Consensus. Not counted in ClinVar's aggregate classification.

Literature cited by the submitters: PubMed 29671961 (cited by Athena Diagnostics); PubMed 10574461 (cited by Athena Diagnostics).